The following is an entry in ClinVar:

ClinVar aggregate classification (germline): Uncertain significance (1 of 4 stars; one submission).

Allele frequency attached by ClinVar (database versions not stated): gnomAD 0.00001; ExAC 0.00002; TOPMed 0.00002.
gnomAD v4.1: 36 of 1,612,502 alleles (0.0022%); highest among the groups gnomAD compares: Middle Eastern, 0.016%; no homozygotes.

Submission:

Labcorp Genetics (formerly Invitae), Labcorp
Classification: Uncertain significance. Last evaluated: 2024-08-12. Review status: criteria provided, single submitter. Criteria: Invitae Variant Classification Sherloc (09022015). Collection method: clinical testing. Allele origin: germline.
Comment: This sequence change replaces proline, which is neutral and non-polar, with leucine, which is neutral and non-polar, at codon 121 of the PITPNM3 protein (p.Pro121Leu). The frequency data for this variant in the population databases is considered unreliable, as metrics indicate poor data quality at this position in the gnomAD database. This variant has not been reported in the literature in individuals affected with PITPNM3-related conditions. ClinVar contains an entry for this variant (Variation ID: 1947427). Advanced modeling of protein sequence and biophysical properties (such as structural, functional, and spatial information, amino acid conservation, physicochemical variation, residue mobility, and thermodynamic stability) performed at Invitae indicates that this missense variant is not expected to disrupt PITPNM3 protein function with a negative predictive value of 80%. In summary, the available evidence is currently insufficient to determine the role of this variant in disease. Therefore, it has been classified as a Variant of Uncertain Significance.

NM_031220.4(PITPNM3):c.362C>T (p.Pro121Leu)

Gene: PITPNM3 (PITPNM family member 3; minus strand). Cytogenetic location: 17p13.2.
Variant type: single nucleotide variant.
Coding change: c.362C>T on transcript NM_031220.4 (MANE Select); coding-DNA position 362, C replaced by T.
Protein change: p.Pro121Leu; replaces proline 121 with leucine.
Molecular consequence: missense variant.
Genome position (GRCh38, 1-based): chr17:6,483,742, G>A on the plus strand (C>T on the coding strand, the complement: PITPNM3 is on the minus strand). VCF-style: chr17-6483742-G-A. GRCh37 (hg19) VCF-style: chr17-6387062-G-A.
Other names: c.254C>T, p.Pro85Leu (NM_001165966.2); short protein forms P121L, P85L.
Identifiers: ClinVar variation 1947427 (VCV001947427.5), dbSNP rs762515684, ClinGen allele CA8329840.